The following is an entry in ClinVar:

ClinVar aggregate classification (germline): Uncertain significance. Review status: criteria provided, multiple submitters, no conflicts (2 of 4 stars). 3 submissions from 3 submitters: Uncertain significance (3). Last evaluated 2024-11-22.

Conditions:
Charcot-Marie-Tooth disease axonal type 2S. Also called: CHARCOT-MARIE-TOOTH NEUROPATHY, TYPE 2S; CHARCOT-MARIE-TOOTH DISEASE, AXONAL, AUTOSOMAL RECESSIVE, TYPE 2S. Identifiers: Orphanet 443073, MedGen C4015349, MONDO:0014511, OMIM 616155.
Charcot-Marie-Tooth disease. Also called: Charcot-Marie-Tooth Hereditary Neuropathy; Charcot-Marie-Tooth Neuropathy. Identifiers: Orphanet 166, MedGen C0007959, MONDO:0015626.

Allele frequency attached by ClinVar (database versions not stated): gnomAD exomes below 0.00001.
gnomAD v4.1: 2 of 1,613,406 alleles (0.00012%); highest among the groups gnomAD compares: Non-Finnish European, 0.00017%; no homozygotes.

Submissions (3):

Broad Center for Mendelian Genomics, Broad Institute of MIT and Harvard
Classification: Uncertain significance for Charcot-Marie-Tooth disease axonal type 2S. Last evaluated: 2024-11-22. Review status: criteria provided, single submitter. Criteria: ACMG Guidelines, 2015. Collection method: curation. Allele origin: germline. Inheritance: Autosomal recessive inheritance. Study: GREGoR Consortium.
Comment: Trio genome sequencing revealed that this variant was in trans. The p.Leu152Pro variant in IGHMBP2 has been previously reported in two unrelated individuals with IGHMBP2-related neurologic disease (PMID: 32376792, PMID: 23560007), and has been identified in 0.0002% (2/1179348) of European non-Finnish chromosomes by the Genome Aggregation Database (gnomAD; dbSNP rs1858294034). Although this variant has been seen in the general population in a heterozygous state, its frequency is low enough to be consistent with a recessive carrier frequency. One of these individuals was a homozygote (PMID: 23560007), which increases the likelihood that the p.Leu152Pro variant is pathogenic. This variant has also been reported in ClinVar (Variation ID: 917098) and has been interpreted as a variant of uncertain significance by GeneDx and the London Health Centre Molecular Genetics Laboratory. Computational prediction tools and conservation analyses suggest that this variant may impact the protein, though this information is not predictive enough to determine pathogenicity. In summary, the clinical significance of the p.Leu152Pro variant is uncertain. ACMG/AMP Criteria applied: PP3_moderate, PM2_Supporting, PM3_Supporting (Richards 2015).

GeneDx
Classification: Uncertain significance. Last evaluated: 2023-02-09. Review status: criteria provided, single submitter. Criteria: GeneDx Variant Classification Process June 2021. Collection method: clinical testing. Allele origin: germline.
Comment: Reported as a single heterozygous variant of uncertain significance in a patient with Charcot-Marie-Tooth (Volodarsky et al., 2021); Not observed at significant frequency in large population cohorts (gnomAD); In silico analysis supports that this missense variant has a deleterious effect on protein structure/function; This variant is associated with the following publications: (PMID: 23560007, 32376792)

Molecular Genetics Laboratory, London Health Sciences Centre
Classification: Uncertain significance for Charcot-Marie-Tooth disease. Review status: criteria provided, single submitter. Criteria: ACMG Guidelines, 2015. Collection method: clinical testing. Allele origin: germline. Affected: yes.

NM_002180.3(IGHMBP2):c.455T>C (p.Leu152Pro)

Gene: IGHMBP2 (immunoglobulin mu DNA binding protein 2; plus strand). Cytogenetic location: 11q13.3.
Variant type: single nucleotide variant.
Coding change: c.455T>C on transcript NM_002180.3 (MANE Select); coding-DNA position 455, T replaced by C.
Protein change: p.Leu152Pro; replaces leucine 152 with proline.
Molecular consequence: missense variant.
Genome position (GRCh38, 1-based): chr11:68,908,539, T>C. VCF-style: chr11-68908539-T-C. GRCh37 (hg19) VCF-style: chr11-68676007-T-C.
Other names: NM_002180.3(IGHMBP2):c.455T>C; p.Leu152Pro; short protein forms L152P.
Identifiers: ClinVar variation 917098 (VCV000917098.3), dbSNP rs1858294034, ClinGen allele CA381643422.